The following is an entry in ClinVar:

NM_002108.4(HAL):c.345G>A (p.Glu115=)

Gene: HAL (histidine ammonia-lyase; minus strand). Cytogenetic location: 12q23.1.
Variant type: single nucleotide variant.
Coding change: c.345G>A on transcript NM_002108.4 (MANE Select); coding-DNA position 345, G replaced by A.
Protein change: p.Glu115=; no amino-acid change (glutamic acid 115 retained).
Molecular consequence: synonymous variant. On other transcripts: 5 prime UTR variant (1).
Genome position (GRCh38, 1-based): chr12:95,994,156, C>T on the plus strand (G>A on the coding strand, the complement: HAL is on the minus strand). VCF-style: chr12-95994156-C-T. GRCh37 (hg19) VCF-style: chr12-96387934-C-T.
Other names: c.-213G>A (NM_001258333.2); c.345G>A, p.Glu115= (NM_001258334.2).
Identifiers: ClinVar variation 881912 (VCV000881912.6), dbSNP rs188783496, ClinGen allele CA6728046.
Genomic context (GRCh38, chr12:95,994,156, plus strand): 5'-TTTGTAGCGTCCCTTTCCCAAGTTGACCAGATCCTCCGTGGTCAGACGGTCTCCATCTAA[C>T]TCGATGTACTACACAAAAGAAGGGGATCTCAGTGAGTCTGAACAGCTTGATTATTCTAAC-3'
Protein context (NP_002099.1, residues 105-125): SKYREPEKYI[Glu115=]LDGDRLTTED

ClinVar aggregate classification (germline): Likely benign. Review status: criteria provided, single submitter (1 of 4 stars). 2 submissions from 2 submitters: Likely benign (1). 1 of the submissions does not count toward it. Last evaluated 2018-01-13.

Conditions:
Histidinemia. Also called: Deficiency of histidine ammonia-lyase; Hyperhistidinemia; HAL DEFICIENCY; HIS DEFICIENCY; HISTIDASE DEFICIENCY; HISTIDINE AMMONIA-LYASE DEFICIENCY. Identifiers: Orphanet 2157, MedGen C0220992, MONDO:0009345, OMIM 235800, HP:0010906.
HAL-related disorder. Also called: HAL-related condition.

Allele frequency attached by ClinVar (database versions not stated): gnomAD 0.00031 and 0.00052; gnomAD exomes 0.00035 and 0.00133; TOPMed 0.00062; ExAC 0.00123; 1000 Genomes Project 30x 0.00234; 1000 Genomes Project 0.00300.
gnomAD v4.1: 588 of 1,610,646 alleles (0.037%); highest among the groups gnomAD compares: East Asian, 1.2%; 2 homozygotes.

Submissions (2):

Illumina Laboratory Services, Illumina
Classification: Likely benign for Histidinemia. Last evaluated: 2018-01-13. Review status: criteria provided, single submitter. Criteria: ICSL Variant Classification Criteria 13 December 2019. Collection method: clinical testing. Allele origin: germline.
Comment: This variant was observed in the ICSL laboratory as part of a predisposition screen in an ostensibly healthy population. It had not been previously curated by ICSL or reported in the Human Gene Mutation Database (HGMD: prior to June 1st, 2018), and was therefore a candidate for classification through an automated scoring system. Utilizing variant allele frequency, disease prevalence and penetrance estimates, and inheritance mode, an automated score was calculated to assess if this variant is too frequent to cause the disease. Based on the score and internal cut-off values, a variant classified as likely benign is not then subjected to further curation. The score for this variant resulted in a classification of likely benign for this disease.

PreventionGenetics, part of Exact Sciences
Classification: Benign for HAL-related condition. Last evaluated: 2019-04-12. Review status: no assertion criteria provided. Collection method: clinical testing. Allele origin: germline. Not counted in ClinVar's aggregate classification.
Comment: This variant is classified as benign based on ACMG/AMP sequence variant interpretation guidelines (Richards et al. 2015 PMID: 25741868, with internal and published modifications).